The following is an entry in ClinVar:

NM_021005.4(NR2F2):c.19A>G (p.Thr7Ala)

Gene: NR2F2 (nuclear receptor subfamily 2 group F member 2; plus strand). Cytogenetic location: 15q26.2.
Variant type: single nucleotide variant.
Coding change: c.19A>G on transcript NM_021005.4 (MANE Select); coding-DNA position 19, A replaced by G.
Protein change: p.Thr7Ala; replaces threonine 7 with alanine.
Molecular consequence: missense variant. On other transcripts: intron variant (1).
Genome position (GRCh38, 1-based): chr15:96,332,124, A>G. VCF-style: chr15-96332124-A-G. GRCh37 (hg19) VCF-style: chr15-96875353-A-G.
Other names: c.44-1952A>G (NM_001145155.2); short protein forms T7A.
Identifiers: ClinVar variation 1016890 (VCV001016890.8), dbSNP rs901462929, ClinGen allele CA276170310.
Genomic context (GRCh38, chr15:96,332,124, plus strand): 5'-GCAGCCAGGGGAGCAGGAAGTCCGGACGCAGCCCCCATAGATATGGCAATGGTAGTCAGC[A>G]CGTGGCGCGACCCCCAGGACGAGGTGCCCGGCTCACAGGGCAGCCAGGCCTCGCAGGCGC-3'
Protein context (NP_066285.1, residues 1-17): MAMVVS[Thr7Ala]WRDPQDEVPG

ClinVar aggregate classification (germline): Uncertain significance (1 of 4 stars; one submission).

Conditions:
Congenital heart defects, multiple types, 4 (CHTD4). Identifiers: MedGen C4014310, MONDO:0014344, OMIM 615779.

Allele frequency attached by ClinVar (database versions not stated): gnomAD 0.00003 and 0.00004; gnomAD exomes 0.00006 and 0.00015; TOPMed 0.00006.
gnomAD v4.1: 188 of 1,355,184 alleles (0.014%); highest among the groups gnomAD compares: Non-Finnish European, 0.017%; 1 homozygote.

Submission:

Labcorp Genetics (formerly Invitae), Labcorp
Classification: Uncertain significance for Congenital heart defects, multiple types, 4. Last evaluated: 2022-12-02. Review status: criteria provided, single submitter. Criteria: Invitae Variant Classification Sherloc (09022015). Collection method: clinical testing. Allele origin: germline.
Comment: In summary, the available evidence is currently insufficient to determine the role of this variant in disease. Therefore, it has been classified as a Variant of Uncertain Significance. Advanced modeling of protein sequence and biophysical properties (such as structural, functional, and spatial information, amino acid conservation, physicochemical variation, residue mobility, and thermodynamic stability) performed at Invitae indicates that this missense variant is not expected to disrupt NR2F2 protein function. ClinVar contains an entry for this variant (Variation ID: 1016890). This variant has not been reported in the literature in individuals affected with NR2F2-related conditions. The frequency data for this variant in the population databases is considered unreliable, as metrics indicate poor data quality at this position in the gnomAD database. This sequence change replaces threonine, which is neutral and polar, with alanine, which is neutral and non-polar, at codon 7 of the NR2F2 protein (p.Thr7Ala).